The following is an entry in ClinVar:

NM_002471.4(MYH6):c.5462T>G (p.Val1821Gly)

Gene: MYH6 (myosin heavy chain 6; minus strand). Cytogenetic location: 14q11.2.
Variant type: single nucleotide variant.
Coding change: c.5462T>G on transcript NM_002471.4 (MANE Select); coding-DNA position 5462, T replaced by G.
Protein change: p.Val1821Gly; replaces valine 1821 with glycine.
Molecular consequence: missense variant.
Genome position (GRCh38, 1-based): chr14:23,384,545, A>C on the plus strand (T>G on the coding strand, the complement: MYH6 is on the minus strand). VCF-style: chr14-23384545-A-C. GRCh37 (hg19) VCF-style: chr14-23853754-A-C.
Other names: short protein forms V1821G.
Identifiers: ClinVar variation 970000 (VCV000970000.9), dbSNP rs1890959930, ClinGen allele CA388984254.

ClinVar aggregate classification (germline): Uncertain significance (1 of 4 stars; one submission).

Conditions:
Hypertrophic cardiomyopathy 14. Identifiers: MedGen C2750467, MONDO:0013197, OMIM 613251.

Submission:

Labcorp Genetics (formerly Invitae), Labcorp
Classification: Uncertain significance for Hypertrophic cardiomyopathy 14. Last evaluated: 2022-12-02. Review status: criteria provided, single submitter. Criteria: Invitae Variant Classification Sherloc (09022015). Collection method: clinical testing. Allele origin: germline.
Comment: In summary, the available evidence is currently insufficient to determine the role of this variant in disease. Therefore, it has been classified as a Variant of Uncertain Significance. Advanced modeling of protein sequence and biophysical properties (such as structural, functional, and spatial information, amino acid conservation, physicochemical variation, residue mobility, and thermodynamic stability) performed at Invitae indicates that this missense variant is expected to disrupt MYH6 protein function. ClinVar contains an entry for this variant (Variation ID: 970000). This variant has not been reported in the literature in individuals affected with MYH6-related conditions. This variant is not present in population databases (gnomAD no frequency). This sequence change replaces valine, which is neutral and non-polar, with glycine, which is neutral and non-polar, at codon 1821 of the MYH6 protein (p.Val1821Gly).